The following is an entry in ClinVar:

ClinVar aggregate classification (germline): Pathogenic (1 of 4 stars; one submission).

Conditions:
Hematuria, benign familial, 1 (BFH1). Also called: THIN MEMBRANE NEPHROPATHY. Identifiers: MedGen CN376803, MONDO:0007709, OMIM 141200.

Submission:

Juno Genomics, Hangzhou Juno Genomics, Inc
Classification: Pathogenic for Hematuria, benign familial, 1. Review status: criteria provided, single submitter. Criteria: ACMG Guidelines, 2015. Collection method: clinical testing. Allele origin: germline. Affected: yes.
Comment: Absent from controls (or at extremely low frequency if recessive) in Genome Aggregation Database, Exome Sequencing Project, 1000 Genomes Project, or Exome Aggregation Consortium.;Null variant in a gene where loss of function (LOF) is a known mechanism of disease.;Patient's phenotype or family history is highly specific for a disease with a single genetic etiology.

NM_000092.5(COL4A4):c.3866_3870del (p.Gly1289fs)

Gene: COL4A4 (collagen type IV alpha 4 chain; minus strand). Cytogenetic location: 2q36.3.
Variant type: Deletion.
Coding change: c.3866_3870del on transcript NM_000092.5 (MANE Select); coding-DNA positions 3866 to 3870, 5 bases deleted (GGGAG; older notation c.3866_3870delGGGAG).
Protein change: p.Gly1289fs; shifts the reading frame from glycine 1289.
Molecular consequence: frameshift variant.
Genome position (GRCh38, 1-based): chr2:227,030,546-227,030,550, CTCCC deleted on the plus strand (GGGAG on the coding strand, the reverse complement: COL4A4 is on the minus strand); deleting any 5 consecutive bases within chr2:227,030,546-227,030,553 gives the same sequence; the c. name uses the placement nearest the transcript's 3' end. VCF-style (leftmost placement, unchanged base first): chr2-227030545-GCTCCC-G. GRCh37 (hg19) VCF-style: chr2-227895261-GCTCCC-G.
Other names: short protein forms G1289fs.
Identifiers: ClinVar variation 3382281 (VCV003382281.2).